The following is an entry in ClinVar:

NM_024675.4(PALB2):c.2278del (p.Ala761fs)

Gene: PALB2 (partner and localizer of BRCA2; minus strand). Cytogenetic location: 16p12.2.
Variant type: Deletion.
Coding change: c.2278del on transcript NM_024675.4 (MANE Select); coding-DNA position 2278, one base deleted (C; older notation c.2278delC).
Protein change: p.Ala761fs; shifts the reading frame from alanine 761.
Molecular consequence: frameshift variant.
Genome position (GRCh38, 1-based): chr16:23,629,876, G deleted on the plus strand (C on the coding strand, the reverse complement: PALB2 is on the minus strand). VCF-style (leftmost placement, unchanged base first): chr16-23629875-AG-A. GRCh37 (hg19) VCF-style: chr16-23641196-AG-A.
Other names: c.2218delC, p.Ala741Leufs (NM_001407296.1); c.2278delC, p.Ala761Leufs (NM_001407297.1, NM_001407298.1, NM_001407299.1 and 3 more transcripts); c.1393delC, p.Ala466Leufs (NM_001407304.1, NM_001407305.1, NM_001407306.1 and 5 more transcripts); c.490delC, p.Ala165Leufs (NM_001407312.1, NM_001407313.1); short protein forms A761fs.
Identifiers: ClinVar variation 2001574 (VCV002001574.5), dbSNP rs2506413914, ClinGen allele CA2580091346.

ClinVar aggregate classification (germline): Pathogenic/Likely pathogenic. Review status: criteria provided, multiple submitters, no conflicts (2 of 4 stars). 2 submissions from 2 submitters: Pathogenic (1); Likely pathogenic (1). Last evaluated 2024-05-09.

Conditions:
Familial cancer of breast. Also called: hereditary breast carcinoma; Hereditary breast cancer; BREAST CANCER, FAMILIAL. Identifiers: Orphanet 227535, MedGen C0346153, MONDO:0016419, OMIM 114480. Disease mechanism: loss of function.
PALB2-related cancer predisposition. Identifiers: MedGen CN377761, MONDO:0700272.

Submissions (2):

Department of Pathology and Laboratory Medicine, Sinai Health System
Classification: Likely pathogenic for PALB2-related cancer predisposition. Last evaluated: 2024-05-09. Review status: criteria provided, single submitter. Criteria: ACMG Guidelines, 2015. Collection method: clinical testing. Allele origin: germline.

Labcorp Genetics (formerly Invitae), Labcorp
Classification: Pathogenic for Familial cancer of breast. Last evaluated: 2022-08-20. Review status: criteria provided, single submitter. Criteria: Invitae Variant Classification Sherloc (09022015). Collection method: clinical testing. Allele origin: germline.
Comment: For these reasons, this variant has been classified as Pathogenic. This variant is not present in population databases (gnomAD no frequency). This variant has not been reported in the literature in individuals affected with PALB2-related conditions. This sequence change creates a premature translational stop signal (p.Ala761Leufs*3) in the PALB2 gene. It is expected to result in an absent or disrupted protein product. Loss-of-function variants in PALB2 are known to be pathogenic (PMID: 17200668, 17200671, 17200672, 24136930, 25099575).

Literature cited by the submitters: PubMed 17200668 (cited by Labcorp Genetics (formerly Invitae), Labcorp); PubMed 17200671 (cited by Labcorp Genetics (formerly Invitae), Labcorp); PubMed 17200672 (cited by Labcorp Genetics (formerly Invitae), Labcorp); PubMed 24136930 (cited by Labcorp Genetics (formerly Invitae), Labcorp); PubMed 25099575 (cited by Labcorp Genetics (formerly Invitae), Labcorp).